The following is an entry in ClinVar:

NM_000535.7(PMS2):c.475G>C (p.Val159Leu)

Gene: PMS2 (PMS1 homolog 2, mismatch repair system component; minus strand). Cytogenetic location: 7p22.1.
Variant type: single nucleotide variant.
Coding change: c.475G>C on transcript NM_000535.7 (MANE Select); coding-DNA position 475, G replaced by C.
Protein change: p.Val159Leu; replaces valine 159 with leucine.
Molecular consequence: missense variant. On other transcripts: 5 prime UTR variant (2), non-coding transcript variant (1).
Genome position (GRCh38, 1-based): chr7:6,002,515, C>G on the plus strand (G>C on the coding strand, the complement: PMS2 is on the minus strand). VCF-style: chr7-6002515-C-G. GRCh37 (hg19) VCF-style: chr7-6042146-C-G.
Other names: c.70G>C, p.Val24Leu (NM_001322003.2, NM_001322004.2, NM_001322005.2 and 3 more transcripts); c.475G>C, p.Val159Leu (NM_001322006.2, NM_001322014.2); c.157G>C, p.Val53Leu (NM_001322007.2, NM_001322008.2); c.-410G>C (NM_001322011.2, NM_001322012.2); c.166G>C, p.Val56Leu (NM_001322015.2); short protein forms V159L, V53L, V56L, V24L.
Identifiers: ClinVar variation 619588 (VCV000619588.13), dbSNP rs142416537, ClinGen allele CA366744280.

ClinVar aggregate classification (germline): Conflicting classifications of pathogenicity. Review status: criteria provided, conflicting classifications (1 of 4 stars). 3 submissions from 3 submitters: Uncertain significance (2); Likely benign (1). Last evaluated 2024-09-24.

Conditions:
Hereditary nonpolyposis colorectal neoplasms. Identifiers: MedGen C0009405, MeSH D003123.
Lynch syndrome. Identifiers: Orphanet 144, MedGen C4552100, MONDO:0005835. Disease mechanism: loss of function.
Hereditary cancer-predisposing syndrome. Also called: Neoplastic Syndromes, Hereditary; Hereditary neoplastic syndrome; Tumor predisposition; Hereditary Cancer Syndrome. Identifiers: Orphanet 140162, MedGen C0027672, MeSH D009386, MONDO:0015356.

gnomAD v4.1: 3 of 1,611,710 alleles (0.00019%); highest among the groups gnomAD compares: Non-Finnish European, 0.00025%; no homozygotes.

Submissions (3):

Color Diagnostics, LLC DBA Color Health
Classification: Likely benign for Hereditary cancer-predisposing syndrome. Last evaluated: 2024-09-24. Review status: criteria provided, single submitter. Criteria: ACMG Guidelines, 2015. Collection method: clinical testing. Allele origin: germline.

Labcorp Genetics (formerly Invitae), Labcorp
Classification: Uncertain significance for Hereditary nonpolyposis colorectal neoplasms. Last evaluated: 2024-07-01. Review status: criteria provided, single submitter. Criteria: Invitae Variant Classification Sherloc (09022015). Collection method: clinical testing. Allele origin: germline.
Comment: This sequence change replaces valine, which is neutral and non-polar, with leucine, which is neutral and non-polar, at codon 159 of the PMS2 protein (p.Val159Leu). This variant is not present in population databases (gnomAD no frequency). This missense change has been observed in individual(s) with clinical features of PMS2-related conditions (PMID: 21520333). ClinVar contains an entry for this variant (Variation ID: 619588). Advanced modeling of protein sequence and biophysical properties (such as structural, functional, and spatial information, amino acid conservation, physicochemical variation, residue mobility, and thermodynamic stability) has been performed at Invitae for this missense variant, however the output from this modeling did not meet the statistical confidence thresholds required to predict the impact of this variant on PMS2 protein function. In summary, the available evidence is currently insufficient to determine the role of this variant in disease. Therefore, it has been classified as a Variant of Uncertain Significance.

University of Washington Department of Laboratory Medicine, University of Washington
Classification: Uncertain significance for Lynch syndrome. Last evaluated: 2018-05-01. Review status: criteria provided, single submitter. Criteria: Shirts BH et al. (Am J Hum Genet 2018). Collection method: clinical testing. Allele origin: somatic. Affected: yes.
Comment: PMS2 NM_000535.5:c.475G>C has a 60.9% probability of pathogenicity based on combining prior probability from public data with a likelihood ratio of 1.56 to 1, generated from evidence of seeing this as a somatic mutation in a tumor without loss of heterozygosity at the PMS2 locus. See Shirts et al 2018, PMID 29887214.

Literature cited by the submitters: PubMed 21520333 (cited by Labcorp Genetics (formerly Invitae), Labcorp).